The following is an entry in ClinVar:

ClinVar aggregate classification (germline): Uncertain significance (1 of 4 stars; one submission).

Conditions:
Hereditary cancer-predisposing syndrome. Also called: Tumor predisposition; Neoplastic Syndromes, Hereditary; Hereditary Cancer Syndrome; Hereditary neoplastic syndrome. Identifiers: Orphanet 140162, MedGen C0027672, MeSH D009386, MONDO:0015356.

Submission:

Ambry Genetics
Classification: Uncertain significance for Hereditary cancer-predisposing syndrome. Last evaluated: 2025-03-05. Review status: criteria provided, single submitter. Criteria: Ambry Variant Classification Scheme 2023. Collection method: clinical testing. Allele origin: germline.
Comment: The p.L335I variant (also known as c.1003C>A), located in coding exon 9 of the APC gene, results from a C to A substitution at nucleotide position 1003. The leucine at codon 335 is replaced by isoleucine, an amino acid with highly similar properties. This amino acid position is conserved. In addition, in silico predictors for this gene do not accurately predict pathogenicity. Based on the available evidence, the clinical significance of this variant remains unclear.

NM_000038.6(APC):c.1003C>A (p.Leu335Ile)

Gene: APC (APC regulator of Wnt signaling pathway; plus strand). Cytogenetic location: 5q22.2.
Variant type: single nucleotide variant.
Coding change: c.1003C>A on transcript NM_000038.6 (MANE Select); coding-DNA position 1003, C replaced by A.
Protein change: p.Leu335Ile; replaces leucine 335 with isoleucine.
Molecular consequence: missense variant. On other transcripts: non-coding transcript variant (2), intron variant (15).
Genome position (GRCh38, 1-based): chr5:112,819,035, C>A. VCF-style: chr5-112819035-C-A. GRCh37 (hg19) VCF-style: chr5-112154732-C-A.
Other names: c.1003C>A, p.Leu335Ile (NM_001127510.3, NM_001354895.2, NM_001354896.2 and 4 more transcripts); c.949C>A, p.Leu317Ile (NM_001127511.3); c.1033C>A, p.Leu345Ile (NM_001354897.2, NM_001407446.1); c.928C>A, p.Leu310Ile (NM_001354898.2, NM_001407451.1); c.919C>A, p.Leu307Ile (NM_001354899.2, NM_001407452.1); c.826C>A, p.Leu276Ile (NM_001354900.2, NM_001354901.2, NM_001407453.1); c.154C>A, p.Leu52Ile (NM_001354906.2, NM_001407470.1); c.85-234C>A (NM_001407472.1, NM_001407471.1); and 5 more; short protein forms L307I, L335I, L345I, L52I, L276I, L310I, L317I.
Identifiers: ClinVar variation 3882735 (VCV003882735.1).